The following is an entry in ClinVar:

ClinVar aggregate classification (germline): Uncertain significance (1 of 4 stars; one submission).

Conditions:
Charcot-Marie-Tooth disease axonal type 2O. Also called: CHARCOT-MARIE-TOOTH NEUROPATHY, AXONAL, TYPE 2O; CHARCOT-MARIE-TOOTH DISEASE, AXONAL, AUTOSOMAL DOMINANT, TYPE 2O; Charcot-Marie-Tooth disease, axonal, type 20; Charcot-Marie-Tooth Neuropathy Type 2O. Identifiers: Orphanet 284232, MedGen C3280220, MONDO:0013644, OMIM 614228.

Allele frequency attached by ClinVar (database versions not stated): gnomAD 0.00001 and 0.00002; gnomAD exomes 0.00001; ExAC 0.00002; TOPMed 0.00002.
gnomAD v4.1: 18 of 1,614,086 alleles (0.0011%); highest among the groups gnomAD compares: Admixed American, 0.0017%; no homozygotes.

Submission:

Labcorp Genetics (formerly Invitae), Labcorp
Classification: Uncertain significance for Charcot-Marie-Tooth disease axonal type 2O. Last evaluated: 2025-08-10. Review status: criteria provided, single submitter. Criteria: Invitae Variant Classification Sherloc (09022015). Collection method: clinical testing. Allele origin: germline.
Comment: This sequence change replaces arginine, which is basic and polar, with histidine, which is basic and polar, at codon 1887 of the DYNC1H1 protein (p.Arg1887His). This variant is present in population databases (rs768520247, gnomAD 0.004%). This variant has not been reported in the literature in individuals affected with DYNC1H1-related conditions. ClinVar contains an entry for this variant (Variation ID: 576803). Invitae Evidence Modeling of protein sequence and biophysical properties (such as structural, functional, and spatial information, amino acid conservation, physicochemical variation, residue mobility, and thermodynamic stability) indicates that this missense variant is expected to disrupt DYNC1H1 protein function with a positive predictive value of 95%. In summary, the available evidence is currently insufficient to determine the role of this variant in disease. Therefore, it has been classified as a Variant of Uncertain Significance.

NM_001376.5(DYNC1H1):c.5660G>A (p.Arg1887His)

Gene: DYNC1H1 (dynein cytoplasmic 1 heavy chain 1; plus strand). Cytogenetic location: 14q32.31.
Variant type: single nucleotide variant.
Coding change: c.5660G>A on transcript NM_001376.5 (MANE Select); coding-DNA position 5660, G replaced by A.
Protein change: p.Arg1887His; replaces arginine 1887 with histidine.
Molecular consequence: missense variant.
Genome position (GRCh38, 1-based): chr14:102,006,114, G>A. VCF-style: chr14-102006114-G-A. GRCh37 (hg19) VCF-style: chr14-102472451-G-A.
Other names: short protein forms R1887H.
Identifiers: ClinVar variation 576803 (VCV000576803.8), dbSNP rs768520247, ClinGen allele CA7352454.